The following is an entry in ClinVar:

NM_001394998.1(TANC2):c.4059C>T (p.Tyr1353=)

Gene: TANC2 (tetratricopeptide repeat, ankyrin repeat and coiled-coil containing 2; plus strand). Cytogenetic location: 17q23.3.
Variant type: single nucleotide variant.
Coding change: c.4059C>T on transcript NM_001394998.1 (MANE Select); coding-DNA position 4059, C replaced by T.
Protein change: p.Tyr1353=; no amino-acid change (tyrosine 1353 retained).
Molecular consequence: synonymous variant.
Genome position (GRCh38, 1-based): chr17:63,415,566, C>T. VCF-style: chr17-63415566-C-T. GRCh37 (hg19) VCF-style: chr17-61492927-C-T.
Other names: c.3837C>T, p.Tyr1279= (NM_001411076.1); c.3807C>T, p.Tyr1269= (NM_025185.4).
Identifiers: ClinVar variation 3067247 (VCV003067247.21), dbSNP rs191181540, ClinGen allele CA8698165.

ClinVar aggregate classification (germline): Likely benign (1 of 4 stars; one submission).

Allele frequency attached by ClinVar (database versions not stated): ExAC 0.00003; gnomAD 0.00004; TOPMed 0.00005; gnomAD exomes 0.00007; ESP Exome Variant Server 0.00008; 1000 Genomes Project 30x 0.00016.
gnomAD v4.1: 103 of 1,613,886 alleles (0.0064%); highest among the groups gnomAD compares: South Asian, 0.013%; no homozygotes.

Submission:

CeGaT Center for Human Genetics Tuebingen
Classification: Likely benign. Last evaluated: 2026-09-01. Review status: criteria provided, single submitter. Criteria: CeGaT Center For Human Genetics Tuebingen Variant Classification Criteria Version 2. Collection method: clinical testing. Allele origin: germline. Affected: yes. Observed: 2 variant alleles.
Comment: TANC2: BP4, BP7